The following is an entry in ClinVar:

NM_153240.5(NPHP3):c.783T>G (p.Ser261Arg)

Genes: NPHP3 (nephrocystin 3; minus strand), NPHP3-ACAD11 (NPHP3-ACAD11 readthrough (NMD candidate); minus strand). Cytogenetic location: 3q22.1.
Variant type: single nucleotide variant.
Coding change: c.783T>G on transcript NM_153240.5 (MANE Select); coding-DNA position 783, T replaced by G.
Protein change: p.Ser261Arg; replaces serine 261 with arginine.
Molecular consequence: missense variant. On other transcripts: non-coding transcript variant (1).
Genome position (GRCh38, 1-based): chr3:132,716,797, A>C on the plus strand (T>G on the coding strand, the complement: NPHP3 is on the minus strand). VCF-style: chr3-132716797-A-C. GRCh37 (hg19) VCF-style: chr3-132435641-A-C.
Other names: short protein forms S261R.
Identifiers: ClinVar variation 851125 (VCV000851125.7), dbSNP rs752050701, ClinGen allele CA2622502.
Genomic context (GRCh38, chr3:132,716,797, plus strand): 5'-TGACAAACAGCATGTATTACCTCTATTAACATTTGCAAAGGGTCCTTCCACATCTATAGA[A>C]CTATGGGCAAACTCAGGGCCTCTGAAGGACTGCTGAAGCTGGATCATGCTTCCTATGGAA-3'
Protein context (NP_694972.3, residues 251-271): QSFRGPEFAH[Ser261Arg]SIDVEGPFAN

ClinVar aggregate classification (germline): Uncertain significance (1 of 4 stars; one submission).

Conditions:
Nephronophthisis. Also called: Juvenile Nephronophthisis. Identifiers: Orphanet 655, MedGen C0687120, MONDO:0019005, HP:0000090.

Allele frequency attached by ClinVar (database versions not stated): TOPMed below 0.00001; gnomAD 0.00001; ExAC 0.00002.
gnomAD v4.1: 21 of 1,614,092 alleles (0.0013%); highest among the groups gnomAD compares: East Asian, 0.047%; no homozygotes.

Submission:

Labcorp Genetics (formerly Invitae), Labcorp
Classification: Uncertain significance for Nephronophthisis. Last evaluated: 2022-07-26. Review status: criteria provided, single submitter. Criteria: Invitae Variant Classification Sherloc (09022015). Collection method: clinical testing. Allele origin: germline.
Comment: This variant has not been reported in the literature in individuals affected with NPHP3-related conditions. This variant is present in population databases (rs752050701, gnomAD 0.04%). This sequence change replaces serine, which is neutral and polar, with arginine, which is basic and polar, at codon 261 of the NPHP3 protein (p.Ser261Arg). ClinVar contains an entry for this variant (Variation ID: 851125). In summary, the available evidence is currently insufficient to determine the role of this variant in disease. Therefore, it has been classified as a Variant of Uncertain Significance. Algorithms developed to predict the effect of missense changes on protein structure and function are either unavailable or do not agree on the potential impact of this missense change (SIFT: "Tolerated"; PolyPhen-2: "Possibly Damaging"; Align-GVGD: "Class C0").